The following is an entry in ClinVar:

ClinVar aggregate classification (germline): Benign/Likely benign. Review status: criteria provided, multiple submitters, no conflicts (2 of 4 stars). 3 submissions from 3 submitters: Benign (1); Likely benign (2). Last evaluated 2025-11-23.

Conditions:
Inborn genetic diseases. Identifiers: MedGen C0950123, MeSH D030342.

Allele frequency attached by ClinVar (database versions not stated): gnomAD exomes 0.00008 and 0.00016; ExAC 0.00019; gnomAD 0.00064 and 0.00069; TOPMed 0.00064; ESP Exome Variant Server 0.00066; 1000 Genomes Project 30x 0.00083; 1000 Genomes Project 0.00106.
gnomAD v4.1: 164 of 1,209,181 alleles (0.014%); highest among the groups gnomAD compares: African/African-American, 0.26%; no homozygotes.

Submissions (3):

Labcorp Genetics (formerly Invitae), Labcorp
Classification: Benign. Last evaluated: 2025-11-23. Review status: criteria provided, single submitter. Criteria: Invitae Variant Classification Sherloc (09022015). Collection method: clinical testing. Allele origin: germline.

CeGaT Center for Human Genetics Tuebingen
Classification: Likely benign. Last evaluated: 2023-05-01. Review status: criteria provided, single submitter. Criteria: CeGaT Center For Human Genetics Tuebingen Variant Classification Criteria Version 2. Collection method: clinical testing. Allele origin: germline. Affected: yes. Observed: 1 variant allele.
Comment: FGD1: BP4, BP7, BS2

Ambry Genetics
Classification: Likely benign for Inborn genetic diseases. Last evaluated: 2019-08-28. Review status: criteria provided, single submitter. Criteria: Ambry Variant Classification Scheme 2023. Collection method: clinical testing. Allele origin: germline.

NM_004463.3(FGD1):c.1464C>T (p.Ser488=)

Gene: FGD1 (FYVE, RhoGEF and PH domain containing 1; minus strand). Cytogenetic location: Xp11.22.
Variant type: single nucleotide variant.
Coding change: c.1464C>T on transcript NM_004463.3 (MANE Select); coding-DNA position 1464, C replaced by T.
Protein change: p.Ser488=; no amino-acid change (serine 488 retained).
Molecular consequence: synonymous variant.
Genome position (GRCh38, 1-based): chrX:54,465,729, G>A on the plus strand (C>T on the coding strand, the complement: FGD1 is on the minus strand). VCF-style: chrX-54465729-G-A. GRCh37 (hg19) VCF-style: chrX-54492162-G-A.
Identifiers: ClinVar variation 734713 (VCV000734713.36), dbSNP rs143205647, ClinGen allele CA10425099.
Genomic context (GRCh38, chrX:54,465,729, plus strand): 5'-TCTGCTCCTTCCAGCTTGACCACTTACCTGCACCTCATGGATGATGACTTTAAACTGGGT[G>A]GAGCGCTCTGTCCAGGTGTTGACCAGCTCCACGGCCCGGTCAAAGTTCTTCACATACTCA-3'
Protein context (NP_004454.2, residues 478-498): VELVNTWTER[Ser488=]TQFKVIIHEV